The following is an entry in ClinVar:

NM_018051.5(DYNC2I1):c.1493A>G (p.Asp498Gly)

Gene: DYNC2I1 (dynein 2 intermediate chain 1; plus strand). Cytogenetic location: 7q36.3.
Variant type: single nucleotide variant.
Coding change: c.1493A>G on transcript NM_018051.5 (MANE Select); coding-DNA position 1493, A replaced by G.
Protein change: p.Asp498Gly; replaces aspartic acid 498 with glycine.
Molecular consequence: missense variant.
Genome position (GRCh38, 1-based): chr7:158,911,582, A>G. VCF-style: chr7-158911582-A-G. GRCh37 (hg19) VCF-style: chr7-158704273-A-G.
Other names: c.1355A>G, p.Asp452Gly (NM_001350914.2); c.920A>G, p.Asp307Gly (NM_001350915.2); c.32A>G, p.Asp11Gly (NM_001350916.2); c.245A>G, p.Asp82Gly (NM_001350917.2, NM_001350918.2); short protein forms D11G, D82G, D498G, D307G, D452G.
Identifiers: ClinVar variation 3274197 (VCV003274197.3).

ClinVar aggregate classification (germline): Uncertain significance. Review status: criteria provided, multiple submitters, no conflicts (2 of 4 stars). 2 submissions from 2 submitters: Uncertain significance (2). Last evaluated 2024-03-19.

Conditions:
Inborn genetic diseases. Identifiers: MedGen C0950123, MeSH D030342.
Short-rib thoracic dysplasia 8 with or without polydactyly (SRTD8). Also called: SHORT-RIB THORACIC DYSPLASIA 8 WITH POLYDACTYLY. Identifiers: Orphanet 93271, MedGen C3809691, MONDO:0014214, OMIM 615503.

gnomAD v4.1: 26 of 1,613,724 alleles (0.0016%); highest among the groups gnomAD compares: East Asian, 0.047%; no homozygotes.

Submissions (2):

Ambry Genetics
Classification: Uncertain significance for Inborn genetic diseases. Last evaluated: 2024-03-19. Review status: criteria provided, single submitter. Criteria: Ambry Variant Classification Scheme 2023. Collection method: clinical testing. Allele origin: germline.

Juno Genomics, Hangzhou Juno Genomics, Inc
Classification: Uncertain significance for Short-rib thoracic dysplasia 8 with or without polydactyly. Review status: criteria provided, single submitter. Criteria: ACMG Guidelines, 2015. Collection method: clinical testing. Allele origin: germline.
Comment: Absent from controls (or at extremely low frequency if recessive) in Genome Aggregation Database.;Multiple lines of computational evidence support a deleterious effect on the gene or gene product.